The following is an entry in ClinVar:

ClinVar aggregate classification (germline): Uncertain significance. Review status: criteria provided, multiple submitters, no conflicts (2 of 4 stars). 4 submissions from 4 submitters: Uncertain significance (4). Last evaluated 2023-11-22.

Conditions:
Inborn genetic diseases. Identifiers: MedGen C0950123, MeSH D030342.
Cone dystrophy 3 (COD3). Also called: RETINAL CONE DYSTROPHY. Identifiers: Orphanet 1872, MedGen C1865869, MONDO:0011193, OMIM 602093.

Allele frequency attached by ClinVar (database versions not stated): gnomAD exomes below 0.00001 and 0.00002; gnomAD 0.00002; TOPMed 0.00002.
gnomAD v4.1: 31 of 1,613,068 alleles (0.0019%); highest among the groups gnomAD compares: Non-Finnish European, 0.0026%; no homozygotes.

Submissions (4):

Labcorp Genetics (formerly Invitae), Labcorp
Classification: Uncertain significance. Last evaluated: 2023-11-22. Review status: criteria provided, single submitter. Criteria: Invitae Variant Classification Sherloc (09022015). Collection method: clinical testing. Allele origin: germline.
Comment: This sequence change replaces serine, which is neutral and polar, with cysteine, which is neutral and slightly polar, at codon 152 of the GUCA1A protein (p.Ser152Cys). This variant is present in population databases (no rsID available, gnomAD 0.0009%). This missense change has been observed in individual(s) with GUCA1A-related conditions (Invitae). ClinVar contains an entry for this variant (Variation ID: 853458). An algorithm developed to predict the effect of missense changes on protein structure and function (PolyPhen-2) suggests that this variant is likely to be disruptive. In summary, the available evidence is currently insufficient to determine the role of this variant in disease. Therefore, it has been classified as a Variant of Uncertain Significance.

Ambry Genetics
Classification: Uncertain significance for Inborn genetic diseases. Last evaluated: 2022-12-06. Review status: criteria provided, single submitter. Criteria: Ambry Variant Classification Scheme 2023. Collection method: clinical testing. Allele origin: germline.

Blueprint Genetics
Classification: Uncertain significance. Last evaluated: 2022-10-17. Review status: criteria provided, single submitter. Criteria: ACMG Guidelines, 2015. Collection method: clinical testing. Allele origin: germline.

Baylor Genetics
Classification: Uncertain significance for Cone dystrophy 3. Last evaluated: 2020-03-11. Review status: criteria provided, single submitter. Criteria: ACMG Guidelines, 2015. Collection method: clinical testing. Allele origin: unknown. Affected: yes.
Comment: This variant was determined to be of uncertain significance according to ACMG Guidelines, 2015 [PMID:25741868].

NM_001384910.1(GUCA1A):c.455C>G (p.Ser152Cys)

Genes: GUCA1A (guanylate cyclase activator 1A; plus strand), GUCA1ANB-GUCA1A (GUCA1ANB-GUCA1A readthrough; plus strand). Cytogenetic location: 6p21.1.
Variant type: single nucleotide variant.
Coding change: c.455C>G on transcript NM_001384910.1 (MANE Select); coding-DNA position 455, C replaced by G.
Protein change: p.Ser152Cys; replaces serine 152 with cysteine.
Molecular consequence: missense variant.
Genome position (GRCh38, 1-based): chr6:42,179,252, C>G. VCF-style: chr6-42179252-C-G. GRCh37 (hg19) VCF-style: chr6-42146990-C-G.
Other names: c.455C>G, p.Ser152Cys (NM_000409.5, NM_001319061.2, NM_001319062.2); short protein forms S152C.
Identifiers: ClinVar variation 853458 (VCV000853458.11), dbSNP rs1300545339, ClinGen allele CA364110136.